The following is an entry in ClinVar:

NM_002137.4(HNRNPA2B1):c.893C>T (p.Pro298Leu)

Gene: HNRNPA2B1 (heterogeneous nuclear ribonucleoprotein A2/B1; minus strand). Cytogenetic location: 7p15.2.
Variant type: single nucleotide variant.
Coding change: c.893C>T on transcript NM_002137.4 (MANE Select); coding-DNA position 893, C replaced by T.
Protein change: p.Pro298Leu; replaces proline 298 with leucine.
Molecular consequence: missense variant.
Genome position (GRCh38, 1-based): chr7:26,193,322, G>A on the plus strand (C>T on the coding strand, the complement: HNRNPA2B1 is on the minus strand). VCF-style: chr7-26193322-G-A. GRCh37 (hg19) VCF-style: chr7-26232942-G-A.
Other names: c.929C>T, p.Pro310Leu (NM_031243.4); short protein forms P310L, P298L.
Identifiers: ClinVar variation 1501742 (VCV001501742.6), dbSNP rs2128109836, ClinGen allele CA367072089.

ClinVar aggregate classification (germline): Likely pathogenic (1 of 4 stars; one submission).

Conditions:
Inclusion body myopathy with early-onset Paget disease with or without frontotemporal dementia 2 (IBMPFD2). Also called: MULTISYSTEM PROTEINOPATHY 2. Identifiers: MedGen C3809468, MONDO:0014178, OMIM 615422.

Submission:

Labcorp Genetics (formerly Invitae), Labcorp
Classification: Likely pathogenic for Inclusion body myopathy with early-onset Paget disease with or without frontotemporal dementia 2. Last evaluated: 2021-09-02. Review status: criteria provided, single submitter. Criteria: Invitae Variant Classification Sherloc (09022015). Collection method: clinical testing. Allele origin: germline.
Comment: Experimental studies have shown that this missense change affects HNRNPA2B1 function (PMID: 29358076). In summary, the currently available evidence indicates that the variant is pathogenic, but additional data are needed to prove that conclusively. Therefore, this variant has been classified as Likely Pathogenic. This sequence change replaces proline with leucine at codon 310 of the HNRNPA2B1 protein (p.Pro310Leu). The proline residue is highly conserved and there is a moderate physicochemical difference between proline and leucine. This variant is not present in population databases (ExAC no frequency). This missense change has been observed in individual(s) with Paget's disease of the bone (PMID: 28389692). It has also been observed to segregate with disease in related individuals. This variant is also known as p.Pro298Leu. Algorithms developed to predict the effect of missense changes on protein structure and function are either unavailable or do not agree on the potential impact of this missense change (SIFT: "Deleterious"; PolyPhen-2: "Benign"; Align-GVGD: "Class C15").

Literature cited by the submitters: PubMed 29358076; PubMed 28389692.